The following is an entry in ClinVar:

ClinVar aggregate classification (germline): Conflicting classifications of pathogenicity. Review status: criteria provided, conflicting classifications (1 of 4 stars). 6 submissions from 6 submitters: Uncertain significance (5); Likely benign (1). Last evaluated 2025-05-17.

Conditions:
BRCA1-related cancer predisposition. Identifiers: MedGen CN377757, MONDO:0700268.
Hereditary cancer-predisposing syndrome. Also called: Neoplastic Syndromes, Hereditary; Tumor predisposition; Hereditary Cancer Syndrome; Hereditary neoplastic syndrome. Identifiers: Orphanet 140162, MedGen C0027672, MeSH D009386, MONDO:0015356.
Hereditary breast ovarian cancer syndrome. Also called: Breast and ovarian cancer; Hereditary breast and ovarian cancer; Hereditary breast and/or ovarian cancer syndrome; BRCA1- and BRCA2-Associated Hereditary Breast and Ovarian Cancer; Hereditary breast and ovarian cancer syndrome; Hereditary breast and ovarian cancer syndrome (HBOC). Identifiers: Orphanet 145, MedGen C0677776, MeSH D061325, MONDO:0003582. Disease mechanism: loss of function.

Allele frequency attached by ClinVar (database versions not stated): gnomAD exomes below 0.00001.
gnomAD v4.1: 3 of 1,614,094 alleles (0.00019%); highest among the groups gnomAD compares: Non-Finnish European, 0.00025%; no homozygotes.

Submissions (6):

Labcorp Genetics (formerly Invitae), Labcorp
Classification: Uncertain significance for Hereditary breast ovarian cancer syndrome. Last evaluated: 2025-05-17. Review status: criteria provided, single submitter. Criteria: Invitae Variant Classification Sherloc (09022015). Collection method: clinical testing. Allele origin: germline.
Comment: This sequence change replaces asparagine, which is neutral and polar, with aspartic acid, which is acidic and polar, at codon 969 of the BRCA1 protein (p.Asn969Asp). This variant is not present in population databases (gnomAD no frequency). This missense change has been observed in individual(s) with breast cancer (PMID: 30287823). ClinVar contains an entry for this variant (Variation ID: 141301). Invitae Evidence Modeling of protein sequence and biophysical properties (such as structural, functional, and spatial information, amino acid conservation, physicochemical variation, residue mobility, and thermodynamic stability) indicates that this missense variant is not expected to disrupt BRCA1 protein function with a negative predictive value of 80%. In summary, the available evidence is currently insufficient to determine the role of this variant in disease. Therefore, it has been classified as a Variant of Uncertain Significance.

All of Us Research Program, National Institutes of Health
Classification: Uncertain significance for BRCA1-related cancer predisposition. Last evaluated: 2024-05-14. Review status: criteria provided, single submitter. Criteria: ACMG Guidelines, 2015. Collection method: clinical testing. Allele origin: germline. Inheritance: Autosomal dominant inheritance. Observed: 1 variant allele, 1 heterozygote.
Comment: This missense variant replaces asparagine with aspartic acid at codon 969 of the BRCA1 protein. Computational prediction suggests that this variant may not impact protein structure and function (internally defined REVEL score threshold <= 0.5, PMID: 27666373). To our knowledge, functional studies have not been reported for this variant. This variant has been reported in two individuals affected with breast cancer (PMID: 30287823, 33471991). This variant has not been identified in the general population by the Genome Aggregation Database (gnomAD). The available evidence is insufficient to determine the role of this variant in disease conclusively. Therefore, this variant is classified as a Variant of Uncertain Significance.

This study involves interpretation of variants in research participants for the purpose of population health screening. Participant phenotype was not available at the time of variant classification. Additional details can be found in publication PMID: 35346344, PMCID: PMC8962531

Color Diagnostics, LLC DBA Color Health
Classification: Uncertain significance for Hereditary cancer-predisposing syndrome. Last evaluated: 2024-04-25. Review status: criteria provided, single submitter. Criteria: ACMG Guidelines, 2015. Collection method: clinical testing. Allele origin: germline.
Comment: This missense variant replaces asparagine with aspartic acid at codon 969 of the BRCA1 protein. Computational prediction suggests that this variant may not impact protein structure and function. To our knowledge, functional studies have not been reported for this variant. This variant has been reported in two individuals affected with breast cancer (PMID: 30287823, 33471991). This variant has not been identified in the general population by the Genome Aggregation Database (gnomAD). The available evidence is insufficient to determine the role of this variant in disease conclusively. Therefore, this variant is classified as a Variant of Uncertain Significance.

Ambry Genetics
Classification: Uncertain significance for Hereditary cancer-predisposing syndrome. Last evaluated: 2024-04-12. Review status: criteria provided, single submitter. Criteria: Ambry Variant Classification Scheme 2023. Collection method: clinical testing. Allele origin: germline.
Comment: The p.N969D variant (also known as c.2905A>G), located in coding exon 9 of the BRCA1 gene, results from an A to G substitution at nucleotide position 2905. The asparagine at codon 969 is replaced by aspartic acid, an amino acid with highly similar properties. This amino acid position is not well conserved in available vertebrate species. In addition, this alteration is predicted to be tolerated by in silico analysis. Based on the available evidence, the clinical significance of this variant remains unclear.

Women's Health and Genetics/Laboratory Corporation of America, LabCorp
Classification: Uncertain significance. Last evaluated: 2024-01-08. Review status: criteria provided, single submitter. Criteria: LabCorp Variant Classification Summary - May 2015. Collection method: clinical testing. Allele origin: germline.
Comment: Variant summary: BRCA1 c.2905A>G (p.Asn969Asp) results in a conservative amino acid change in the encoded protein sequence. Five of five in-silico tools predict a benign effect of the variant on protein function. The variant was absent in 251358 control chromosomes (gnomAD). The available data on variant occurrences in the general population are insufficient to allow any conclusion about variant significance. c.2905A>G has been reported in the literature in an individual affected with breast cancer (Momozawa_2018). This report does not provide unequivocal conclusions about association of the variant with Hereditary Breast And Ovarian Cancer Syndrome. To our knowledge, no experimental evidence demonstrating an impact on protein function has been reported. The following publication has been ascertained in the context of this evaluation (PMID: 30287823). ClinVar contains an entry for this variant (Variation ID: 141301). Based on the evidence outlined above, the variant was classified as uncertain significance.

University of Washington Department of Laboratory Medicine, University of Washington
Classification: Likely benign for Hereditary cancer-predisposing syndrome. Last evaluated: 2023-03-23. Review status: criteria provided, single submitter. Criteria: Dines et al. (Genet Med. 2020). Collection method: curation. Allele origin: germline.
Comment: Missense variant in a coldspot region where missense variants are very unlikely to be pathogenic (PMID:31911673).

BRCA1 coldspot (exon 11 using historical exon numbering). Reclassification based on statistical prior probability

Literature cited by the submitters: PubMed 30287823 (cited by 5 submitters); PubMed 33471991 (cited by All of Us Research Program, National Institutes of Health and Color Diagnostics, LLC DBA Color Health).

NM_007294.4(BRCA1):c.2905A>G (p.Asn969Asp)

Gene: BRCA1 (BRCA1 DNA repair associated; minus strand). Cytogenetic location: 17q21.31.
Variant type: single nucleotide variant.
Coding change: c.2905A>G on transcript NM_007294.4 (MANE Select); coding-DNA position 2905, A replaced by G.
Protein change: p.Asn969Asp; replaces asparagine 969 with aspartic acid.
Molecular consequence: missense variant. On other transcripts: intron variant (137).
Genome position (GRCh38, 1-based): chr17:43,092,626, T>C on the plus strand (A>G on the coding strand, the complement: BRCA1 is on the minus strand). VCF-style: chr17-43092626-T-C. GRCh37 (hg19) VCF-style: chr17-41244643-T-C.
Other names: c.2764A>G, p.Asn922Asp (NM_001407739.1, NM_001407734.1, NM_001407735.1 and 29 more transcripts); c.2827A>G, p.Asn943Asp (NM_001407653.1, NM_001407654.1, NM_001407655.1 and 4 more transcripts); c.788-1594A>G (NM_001408472.1, NM_001407990.1, NM_007299.4 and 17 more transcripts); c.524-1594A>G (NM_001408501.1, NM_001408500.1, NM_001408498.1 and 3 more transcripts); c.2824A>G, p.Asn942Asp (NM_001407660.1, NM_001407661.1, NM_001407662.1 and 1 more transcripts); c.647-1594A>G (NM_001408455.1, NM_001408458.1, NM_001408469.1 and 11 more transcripts); c.2761A>G, p.Asn921Asp (NM_001407747.1, NM_001407741.1, NM_001407742.1 and 20 more transcripts); c.788-487A>G (NM_001407969.1, NM_001407968.1); and 41 more; short protein forms N969D, N922D, N881D, N902D, N927D, N928D, N943D, N968D.
Identifiers: ClinVar variation 141301 (VCV000141301.23), dbSNP rs587781641, ClinGen allele CA001892.